The following is an entry in ClinVar:

NM_000135.4(FANCA):c.3911C>T (p.Ala1304Val)

Genes: FANCA (FA complementation group A; minus strand), ZNF276 (zinc finger protein 276; plus strand). Cytogenetic location: 16q24.3.
Variant type: single nucleotide variant.
Coding change: c.3911C>T on transcript NM_000135.4 (MANE Select); coding-DNA position 3911, C replaced by T.
Protein change: p.Ala1304Val; replaces alanine 1304 with valine.
Molecular consequence: missense variant. On other transcripts: 3 prime UTR variant (2), non-coding transcript variant (4).
Genome position (GRCh38, 1-based): chr16:89,740,017, G>A on the plus strand (C>T on the coding strand, the complement: FANCA is on the minus strand). VCF-style: chr16-89740017-G-A. GRCh37 (hg19) VCF-style: chr16-89806425-G-A.
Other names: c.3911C>T, p.Ala1304Val (NM_001286167.3); c.*1771G>A (NM_001113525.2, NM_152287.4); short protein forms A1304V.
Identifiers: ClinVar variation 4067924 (VCV004067924.3).

ClinVar aggregate classification (germline): Conflicting classifications of pathogenicity. Review status: criteria provided, conflicting classifications (1 of 4 stars). 3 submissions from 3 submitters: Uncertain significance (1); Likely benign (1). 1 of the submissions does not count toward it. Last evaluated 2026-02-17.

Conditions:
Inborn genetic diseases. Identifiers: MedGen C0950123, MeSH D030342.
Fanconi anemia (FA). Also called: Fanconi's anemia. Identifiers: Orphanet 84, MedGen C0015625, MeSH D005199, MONDO:0019391.

Submissions (3):

Ambry Genetics
Classification: Likely benign for Inborn genetic diseases. Last evaluated: 2026-02-17. Review status: criteria provided, single submitter. Criteria: Ambry Variant Classification Scheme 2023. Collection method: clinical testing. Allele origin: germline.

Labcorp Genetics (formerly Invitae), Labcorp
Classification: Uncertain significance for Fanconi anemia. Last evaluated: 2025-09-09. Review status: criteria provided, single submitter. Criteria: Invitae Variant Classification Sherloc (09022015). Collection method: clinical testing. Allele origin: germline.
Comment: This sequence change replaces alanine, which is neutral and non-polar, with valine, which is neutral and non-polar, at codon 1304 of the FANCA protein (p.Ala1304Val). This variant is not present in population databases (gnomAD no frequency). This variant has not been reported in the literature in individuals affected with FANCA-related conditions. Invitae Evidence Modeling of protein sequence and biophysical properties (such as structural, functional, and spatial information, amino acid conservation, physicochemical variation, residue mobility, and thermodynamic stability) indicates that this missense variant is not expected to disrupt FANCA protein function with a negative predictive value of 95%. In summary, the available evidence is currently insufficient to determine the role of this variant in disease. Therefore, it has been classified as a Variant of Uncertain Significance.

Natera, Inc.
Classification: Uncertain significance for Fanconi anemia. Last evaluated: 2025-05-30. Review status: no assertion criteria provided. Collection method: clinical testing. Allele origin: germline. Not counted in ClinVar's aggregate classification.